The following is an entry in ClinVar:

ClinVar aggregate classification (germline): Uncertain significance. Review status: criteria provided, multiple submitters, no conflicts (2 of 4 stars). 2 submissions from 2 submitters: Uncertain significance (2). Last evaluated 2023-01-01.

Submissions (2):

CeGaT Center for Human Genetics Tuebingen
Classification: Uncertain significance. Last evaluated: 2023-01-01. Review status: criteria provided, single submitter. Criteria: CeGaT Center For Human Genetics Tuebingen Variant Classification Criteria Version 2. Collection method: clinical testing. Allele origin: germline. Affected: yes. Observed: 1 variant allele.
Comment: ATXN3: PM2

Breakthrough Genomics
Classification: Uncertain significance. Review status: criteria provided, single submitter. Criteria: ACMG Guidelines, 2015. Collection method: not provided. Allele origin: germline. Inheritance: Autosomal dominant inheritance. Affected: yes.

NM_004993.6(ATXN3):c.916_917insAGCAGC (p.Gly306delinsGluGlnArg)

Gene: ATXN3 (ataxin 3; minus strand). Cytogenetic location: 14q32.12.
Variant type: Insertion.
Coding change: c.916_917insAGCAGC on transcript NM_004993.6 (MANE Select); coding-DNA positions 916 to 917, AGCAGC inserted.
Protein change: p.Gly306delinsGluGlnArg.
Molecular consequence: inframe indel. On other transcripts: inframe insertion (5), non-coding transcript variant (21).
Genome position: GRCh38 VCF-style: chr14-92071009-C-CGCTGCT. GRCh37 (hg19) VCF-style: chr14-92537353-C-CGCTGCT.
Other names: c.871_872insAGCAGC, p.Gly291delinsGluGlnArg (NM_001127696.2); c.763_764insAGCAGC, p.Gly255delinsGluGlnArg (NM_001127697.3); c.233_234insAGCAGC, p.Gly78_Gly79insAlaAla (NM_001164774.2); c.193_194insAGCAGC, p.Gly65delinsGluGlnArg (NM_001164775.1); c.278_279insAGCAGC, p.Gly93_Gly94insAlaAla (NM_001164776.2); c.113_114insAGCAGC, p.Gly38_Gly39insAlaAla (NM_001164777.2); c.431_432insAGCAGC, p.Gly144_Gly145insAlaAla (NM_001164778.2); c.553_554insAGCAGC, p.Gly185delinsGluGlnArg (NM_001164779.2); and 5 more.
Identifiers: ClinVar variation 2644467 (VCV002644467.25), dbSNP rs763461489, ClinGen allele CA2155255699.
Genomic context (GRCh38, chr14:92,071,009, plus strand): 5'-AGTGCTCCTGAACTGGTGGCTGGCCTTTCACATGGATGTGAACTCTGTCCTGATAGGTCC[C>CGCTGCT]CCTGCTGCTGCTGCTGCTGCTGCTGTTGCTGCTTTTGCTGCTGTCTGAAACATTCAAAAG-3'